The following is an entry in ClinVar:

NM_014270.5(SLC7A9):c.972G>A (p.Ala324=)

Gene: SLC7A9 (solute carrier family 7 member 9; minus strand). Cytogenetic location: 19q13.11.
Variant type: single nucleotide variant.
Coding change: c.972G>A on transcript NM_014270.5 (MANE Select); coding-DNA position 972, G replaced by A.
Protein change: p.Ala324=; no amino-acid change (alanine 324 retained).
Molecular consequence: synonymous variant.
Genome position (GRCh38, 1-based): chr19:32,858,445, C>T on the plus strand (G>A on the coding strand, the complement: SLC7A9 is on the minus strand). VCF-style: chr19-32858445-C-T. GRCh37 (hg19) VCF-style: chr19-33349351-C-T.
Other names: p.Ala324=; c.972G>A, p.Ala324= (NM_001126335.2, NM_001243036.2).
Identifiers: ClinVar variation 892436 (VCV000892436.39), dbSNP rs61730903, ClinGen allele CA9358568.
Genomic context (GRCh38, chr19:32,858,445, plus strand): 5'-GATATTGCTTTCGCCGCCCCTGTCCACCCTGGGAGTGACGGTGGGGGTCCCCTACCTGCC[C>T]GCTGTGAAGCAGGTCCCGTTAGCAGCACCGATGGTTGAAAATGCCACAAAAAGTGGAACG-3'
Protein context (NP_055085.1, residues 314-334): IGAANGTCFT[Ala324=]GRLIYVAGRE

ClinVar aggregate classification (germline): Conflicting classifications of pathogenicity. Review status: criteria provided, conflicting classifications (1 of 4 stars). 5 submissions from 5 submitters: Uncertain significance (2); Benign (2); Likely benign (1). Last evaluated 2026-09-01.

Conditions:
Cystinuria (CSNU). Also called: CYSTINURIA, TYPE I; CYSTINURIA, TYPE II; CYSTINURIA, TYPE III; Cystinuria, non-type I. Identifiers: Orphanet 214, MedGen C0010691, MONDO:0009067, OMIM 220100, HP:0003131.

Allele frequency attached by ClinVar (database versions not stated): 1000 Genomes Project 0.00679; 1000 Genomes Project 30x 0.00718; gnomAD exomes 0.01196; ExAC 0.01202; gnomAD 0.01386; TOPMed 0.01527; ESP Exome Variant Server 0.01630.
gnomAD v4.1: 32,033 of 1,611,288 alleles (2%); highest among the groups gnomAD compares: Non-Finnish European, 2.5%; 442 homozygotes.

Submissions (17):

CeGaT Center for Human Genetics Tuebingen
Classification: Benign. Last evaluated: 2026-09-01. Review status: criteria provided, single submitter. Criteria: CeGaT Center For Human Genetics Tuebingen Variant Classification Criteria Version 2. Collection method: clinical testing. Allele origin: germline. Affected: yes. Observed: 4 variant alleles.
Comment: SLC7A9: BP4, BP7, BS1, BS2

Labcorp Genetics (formerly Invitae), Labcorp
Classification: Benign. Last evaluated: 2026-01-28. Review status: criteria provided, single submitter. Criteria: Invitae Variant Classification Sherloc (09022015). Collection method: clinical testing. Allele origin: germline.

Clinical Genetics Laboratory, Skane University Hospital Lund
Classification: Uncertain significance for Cystinuria. Last evaluated: 2025-08-08. Review status: criteria provided, single submitter. Criteria: ACMG Guidelines, 2015. Collection method: clinical testing. Allele origin: germline. Affected: yes.
Comment: Previously reported in that context PMID: 21255007. Modifier causing symptoms in individuals heterozygous for disease causing variant?

Mayo Clinic Laboratories, Mayo Clinic
Classification: Likely benign. Last evaluated: 2024-11-27. Review status: criteria provided, single submitter. Criteria: ACMG Guidelines, 2015. Collection method: clinical testing. Allele origin: germline. Observed: 2 variant alleles.
Comment: BS2, BP4, BP7

Illumina Laboratory Services, Illumina
Classification: Uncertain significance for Cystinuria. Last evaluated: 2017-04-27. Review status: criteria provided, single submitter. Criteria: ICSL Variant Classification Criteria 13 December 2019. Collection method: clinical testing. Allele origin: germline.
Comment: This variant was observed as part of a predisposition screen in an ostensibly healthy population. A literature search was performed for the gene, cDNA change, and amino acid change (where applicable). Publications were found based on this search. However, the evidence from the literature, in combination with allele frequency data from public databases where available, was not sufficient to rule this variant in or out of causing disease. Therefore, this variant is classified as a variant of unknown significance.

Dr. Peter K. Rogan Lab, Western University
No classification provided (evidence only). Condition: Melanoma. Review status: no classification provided. Collection method: in vitro. Allele origin: not applicable. Functional consequence: retained intron. Not counted in ClinVar's aggregate classification.

Dr. Peter K. Rogan Lab, Western University
No classification provided (evidence only). Condition: Acute myeloid leukemia. Review status: no classification provided. Collection method: in vitro. Allele origin: not applicable. Functional consequence: retained intron. Not counted in ClinVar's aggregate classification.

Dr. Peter K. Rogan Lab, Western University
No classification provided (evidence only). Condition: Acute myeloid leukemia. Review status: no classification provided. Collection method: in vitro. Allele origin: not applicable. Functional consequence: retained intron. Not counted in ClinVar's aggregate classification.

Dr. Peter K. Rogan Lab, Western University
No classification provided (evidence only). Condition: Thyroid cancer, nonmedullary, 1. Review status: no classification provided. Collection method: in vitro. Allele origin: not applicable. Functional consequence: retained intron. Not counted in ClinVar's aggregate classification.

Dr. Peter K. Rogan Lab, Western University
No classification provided (evidence only). Condition: Thyroid cancer, nonmedullary, 1. Review status: no classification provided. Collection method: in vitro. Allele origin: not applicable. Functional consequence: retained intron. Not counted in ClinVar's aggregate classification.

Dr. Peter K. Rogan Lab, Western University
No classification provided (evidence only). Condition: Cervical cancer. Review status: no classification provided. Collection method: in vitro. Allele origin: not applicable. Functional consequence: retained intron. Not counted in ClinVar's aggregate classification.

Dr. Peter K. Rogan Lab, Western University
No classification provided (evidence only). Condition: Sarcoma. Review status: no classification provided. Collection method: in vitro. Allele origin: not applicable. Functional consequence: retained intron. Not counted in ClinVar's aggregate classification.

Dr. Peter K. Rogan Lab, Western University
No classification provided (evidence only). Condition: Hepatocellular carcinoma. Review status: no classification provided. Collection method: in vitro. Allele origin: not applicable. Functional consequence: retained intron. Not counted in ClinVar's aggregate classification.

Dr. Peter K. Rogan Lab, Western University
No classification provided (evidence only). Condition: Nonpapillary renal cell carcinoma. Review status: no classification provided. Collection method: in vitro. Allele origin: not applicable. Functional consequence: retained intron. Not counted in ClinVar's aggregate classification.

Dr. Peter K. Rogan Lab, Western University
No classification provided (evidence only). Condition: Gastric cancer. Review status: no classification provided. Collection method: in vitro. Allele origin: not applicable. Functional consequence: retained intron. Not counted in ClinVar's aggregate classification.

Dr. Peter K. Rogan Lab, Western University
No classification provided (evidence only). Condition: Gastric cancer. Review status: no classification provided. Collection method: in vitro. Allele origin: not applicable. Functional consequence: retained intron. Not counted in ClinVar's aggregate classification.

Dr. Peter K. Rogan Lab, Western University
No classification provided (evidence only). Condition: Gastric cancer. Review status: no classification provided. Collection method: in vitro. Allele origin: not applicable. Functional consequence: retained intron. Not counted in ClinVar's aggregate classification.

Literature cited by the submitters: PubMed 21255007 (cited by Mayo Clinic Laboratories, Mayo Clinic and Illumina Laboratory Services, Illumina).